The following is an entry in ClinVar:

NM_177972.3(TUB):c.305C>A (p.Thr102Lys)

Genes: RIC3 (RIC3 acetylcholine receptor chaperone; minus strand), TUB (TUB bipartite transcription factor; plus strand). Cytogenetic location: 11p15.4.
Variant type: single nucleotide variant.
Coding change: c.305C>A on transcript NM_177972.3 (MANE Select); coding-DNA position 305, C replaced by A.
Protein change: p.Thr102Lys; replaces threonine 102 with lysine.
Molecular consequence: missense variant. On other transcripts: non-coding transcript variant (1).
Genome position (GRCh38, 1-based): chr11:8,094,097, C>A. VCF-style: chr11-8094097-C-A. GRCh37 (hg19) VCF-style: chr11-8115644-C-A.
Other names: c.470C>A, p.Thr157Lys (NM_003320.5); short protein forms T157K, T102K.
Identifiers: ClinVar variation 1965402 (VCV001965402.5), dbSNP rs1417870722, ClinGen allele CA379564612.

ClinVar aggregate classification (germline): Uncertain significance (1 of 4 stars; one submission).

gnomAD v4.1: 24 of 1,614,072 alleles (0.0015%); highest among the groups gnomAD compares: Non-Finnish European, 0.0019%; no homozygotes.

Submission:

Labcorp Genetics (formerly Invitae), Labcorp
Classification: Uncertain significance. Last evaluated: 2022-07-17. Review status: criteria provided, single submitter. Criteria: Invitae Variant Classification Sherloc (09022015). Collection method: clinical testing. Allele origin: germline.
Comment: In summary, the available evidence is currently insufficient to determine the role of this variant in disease. Therefore, it has been classified as a Variant of Uncertain Significance. Algorithms developed to predict the effect of missense changes on protein structure and function (SIFT, PolyPhen-2, Align-GVGD) all suggest that this variant is likely to be tolerated. This variant has not been reported in the literature in individuals affected with TUB-related conditions. This variant is not present in population databases (gnomAD no frequency). This sequence change replaces threonine, which is neutral and polar, with lysine, which is basic and polar, at codon 157 of the TUB protein (p.Thr157Lys).